The following is an entry in ClinVar:

ClinVar aggregate classification (germline): Uncertain significance (1 of 4 stars; one submission).

Conditions:
Hereditary cancer-predisposing syndrome. Also called: Tumor predisposition; Hereditary neoplastic syndrome; Hereditary Cancer Syndrome; Neoplastic Syndromes, Hereditary. Identifiers: Orphanet 140162, MedGen C0027672, MeSH D009386, MONDO:0015356.

gnomAD v4.1: 1 of 1,445,696 alleles (0.000069%); highest among the groups gnomAD compares: African/African-American, 0.0015%; no homozygotes.

Submission:

Ambry Genetics
Classification: Uncertain significance for Hereditary cancer-predisposing syndrome. Last evaluated: 2025-05-07. Review status: criteria provided, single submitter. Criteria: Ambry Variant Classification Scheme 2023. Collection method: clinical testing. Allele origin: germline.
Comment: The p.A17P variant (also known as c.49G>C), located in coding exon 1 of the SDHA gene, results from a G to C substitution at nucleotide position 49. The alanine at codon 17 is replaced by proline, an amino acid with highly similar properties. This amino acid position is conserved. In addition, the in silico prediction for this alteration is inconclusive. Based on the available evidence, the clinical significance of this variant remains unclear.

NM_004168.4(SDHA):c.49G>C (p.Ala17Pro)

Gene: SDHA (succinate dehydrogenase complex flavoprotein subunit A; plus strand). Cytogenetic location: 5p15.33.
Variant type: single nucleotide variant.
Coding change: c.49G>C on transcript NM_004168.4 (MANE Select); coding-DNA position 49, G replaced by C.
Protein change: p.Ala17Pro; replaces alanine 17 with proline.
Molecular consequence: missense variant.
Genome position (GRCh38, 1-based): chr5:218,404, G>C. VCF-style: chr5-218404-G-C. GRCh37 (hg19) VCF-style: chr5-218519-G-C.
Other names: c.49G>C, p.Ala17Pro (NM_001294332.2, NM_001330758.2); short protein forms A17P.
Identifiers: ClinVar variation 3951350 (VCV003951350.1).